The following is an entry in ClinVar:

ClinVar aggregate classification (germline): Uncertain significance (1 of 4 stars; one submission).

Conditions:
Charcot-Marie-Tooth disease axonal type 2O. Also called: Charcot-Marie-Tooth disease, axonal, type 20; CHARCOT-MARIE-TOOTH NEUROPATHY, AXONAL, TYPE 2O; CHARCOT-MARIE-TOOTH DISEASE, AXONAL, AUTOSOMAL DOMINANT, TYPE 2O; Charcot-Marie-Tooth Neuropathy Type 2O. Identifiers: Orphanet 284232, MedGen C3280220, MONDO:0013644, OMIM 614228.

Submission:

Labcorp Genetics (formerly Invitae), Labcorp
Classification: Uncertain significance for Charcot-Marie-Tooth disease axonal type 2O. Last evaluated: 2022-06-22. Review status: criteria provided, single submitter. Criteria: Invitae Variant Classification Sherloc (09022015). Collection method: clinical testing. Allele origin: germline.
Comment: This sequence change falls in intron 69 of the DYNC1H1 gene. It does not directly change the encoded amino acid sequence of the DYNC1H1 protein. It affects a nucleotide within the consensus splice site. Variants that disrupt the consensus splice site are a relatively common cause of aberrant splicing (PMID: 17576681, 9536098). Algorithms developed to predict the effect of sequence changes on RNA splicing suggest that this variant is not likely to affect RNA splicing. In summary, the available evidence is currently insufficient to determine the role of this variant in disease. Therefore, it has been classified as a Variant of Uncertain Significance. This variant has not been reported in the literature in individuals affected with DYNC1H1-related conditions. This variant is not present in population databases (gnomAD no frequency).

Literature cited by the submitters: PubMed 17576681; PubMed 9536098.

NM_001376.5(DYNC1H1):c.12513+3A>T

Gene: DYNC1H1 (dynein cytoplasmic 1 heavy chain 1; plus strand). Cytogenetic location: 14q32.31.
Variant type: single nucleotide variant.
Coding change: c.12513+3A>T on transcript NM_001376.5 (MANE Select); 3 bases into the intron after coding-DNA position 12513, A replaced by T.
Molecular consequence: intron variant.
Genome position (GRCh38, 1-based): chr14:102,042,751, A>T. VCF-style: chr14-102042751-A-T. GRCh37 (hg19) VCF-style: chr14-102509088-A-T.
Identifiers: ClinVar variation 2039211 (VCV002039211.4), dbSNP rs2503860381, ClinGen allele CA2580088530.